The following is an entry in ClinVar:

ClinVar aggregate classification (germline): Benign. Review status: criteria provided, multiple submitters, no conflicts (2 of 4 stars). 7 submissions from 7 submitters: Benign (6). 1 of the submissions does not count toward it. Last evaluated 2026-02-02.

Conditions:
Epidermolysis bullosa simplex. Also called: Epidermolysis bullosa simplex, Weber-Cockayne type (subtype); Epidermolysis bullosa simplex, Dowling-Meara type (subtype); Epidermolysis bullosa simplex with mottled pigmentation (subtype). Identifiers: Orphanet 304, MedGen C0079298, MONDO:0017610.
Dowling-Degos disease 1. Identifiers: Orphanet 79145, MedGen C4552092, MONDO:0024534, OMIM 179850.
Epidermolysis bullosa simplex with migratory circinate erythema. Also called: Epidermolysis bullosa simplex 2E, with migratory circinate erythema. Identifiers: Orphanet 158681, MedGen C1836284, MONDO:0012258, OMIM 609352.
Epidermolysis bullosa simplex with mottled pigmentation (EBS2F). Also called: EPIDERMOLYSIS BULLOSA SIMPLEX 2F, WITH MOTTLED PIGMENTATION; SPECKLED HYPERPIGMENTATION WITH PUNCTATE PALMOPLANTAR KERATOSES AND CHILDHOOD BLISTERING. Identifiers: Orphanet 79397, MedGen C0432316, MONDO:0007556, OMIM 131960.
Epidermolysis bullosa simplex 1A, generalized severe (EBS1A). Also called: Epidermolysis bullosa simplex Dowling-Meara type. Identifiers: Orphanet 79396, MedGen C0079295, MONDO:0007550, OMIM 131760.
Epidermolysis bullosa simplex 2A, generalized severe. Also called: Epidermolysis bullosa simplex 2, Dowling-Meara type; Epidermolysis bullosa simplex 2, generalized severe; Epidermolysis bullosa simplex 2, severe. Identifiers: MedGen CN301077, MONDO:0030489, OMIM 619555.
Epidermolysis bullosa simplex 2B, generalized intermediate (EBS2B). Also called: Epidermolysis bullosa simplex 2B, Koebner type. Identifiers: MedGen C5562009, MONDO:0030525, OMIM 619588.
Epidermolysis bullosa simplex 2C, localized (EBS2C). Also called: Epidermolysis bullosa simplex 2C, Weber-Cockayne type. Identifiers: MedGen C5562011, MONDO:0030527, OMIM 619594.
Epidermolysis bullosa simplex 2d, generalized, intermediate or severe, autosomal recessive. Identifiers: MedGen C5562014, MONDO:0030535, OMIM 619599.

Allele frequency attached by ClinVar (database versions not stated): gnomAD 0.22945 and 0.22738; TOPMed 0.23068; ExAC 0.24131; gnomAD exomes 0.24682 and 0.26534; 1000 Genomes Project 30x 0.21502; 1000 Genomes Project 0.21506.
gnomAD v4.1: 420,925 of 1,610,090 alleles (26%); highest among the groups gnomAD compares: East Asian, 38%; 55,896 homozygotes.

Submissions (7):

Labcorp Genetics (formerly Invitae), Labcorp
Classification: Benign. Last evaluated: 2026-02-02. Review status: criteria provided, single submitter. Criteria: Invitae Variant Classification Sherloc (09022015). Collection method: clinical testing. Allele origin: germline.

Fulgent Genetics
Classification: Benign for Epidermolysis bullosa simplex 1A, generalized severe; Epidermolysis bullosa simplex with mottled pigmentation; Dowling-Degos disease 1; Epidermolysis bullosa simplex with migratory circinate erythema; Epidermolysis bullosa simplex 2A, generalized severe; Epidermolysis bullosa simplex 2B, generalized intermediate; Epidermolysis bullosa simplex 2C, localized; Epidermolysis bullosa simplex 2d, generalized, intermediate or severe, autosomal recessive. Last evaluated: 2021-10-25. Review status: criteria provided, single submitter. Criteria: ACMG Guidelines, 2015. Collection method: clinical testing. Allele origin: unknown.

Illumina Laboratory Services, Illumina
Classification: Benign for Epidermolysis bullosa simplex. Last evaluated: 2018-01-13. Review status: criteria provided, single submitter. Criteria: ICSL Variant Classification Criteria 13 December 2019. Collection method: clinical testing. Allele origin: germline.
Comment: This variant was observed in the ICSL laboratory as part of a predisposition screen in an ostensibly healthy population. It had not been previously curated by ICSL or reported in the Human Gene Mutation Database (HGMD: prior to June 1st, 2018), and was therefore a candidate for classification through an automated scoring system. Utilizing variant allele frequency, disease prevalence and penetrance estimates, and inheritance mode, an automated score was calculated to assess if this variant is too frequent to cause the disease. Based on the score and internal cut-off values, a variant classified as benign is not then subjected to further curation. The score for this variant resulted in a classification of benign for this disease.

GeneDx
Classification: Benign. Last evaluated: 2015-03-03. Review status: criteria provided, single submitter. Criteria: GeneDx Variant Classification Process June 2021. Collection method: clinical testing. Allele origin: germline. Affected: yes.

Breakthrough Genomics
Classification: Benign. Review status: criteria provided, single submitter. Criteria: ACMG Guidelines, 2015. Collection method: not provided. Allele origin: germline. Inheritance: Autosomal recessive inheritance. Affected: yes.

PreventionGenetics, part of Exact Sciences
Classification: Benign. Review status: criteria provided, single submitter. Criteria: ACMG Guidelines, 2015. Collection method: clinical testing. Allele origin: germline.

Epithelial Biology;  Institute of Medical Biology, Singapore
No classification provided. Review status: no classification provided. Collection method: not provided. Allele origin: not provided. Not counted in ClinVar's aggregate classification.

NM_000424.4(KRT5):c.594C>A (p.Thr198=)

Genes: KRT5 (keratin 5; minus strand), LOC126861526 (BRD4-independent group 4 enhancer GRCh37_chr12:52912066-52913265; plus strand). Cytogenetic location: 12q13.13.
Variant type: single nucleotide variant.
Coding change: c.594C>A on transcript NM_000424.4 (MANE Select); coding-DNA position 594, C replaced by A.
Protein change: p.Thr198=; no amino-acid change (threonine 198 retained).
Molecular consequence: synonymous variant.
Genome position (GRCh38, 1-based): chr12:52,519,122, G>T on the plus strand (C>A on the coding strand, the complement: KRT5 is on the minus strand). VCF-style: chr12-52519122-G-T. GRCh37 (hg19) VCF-style: chr12-52912906-G-T.
Identifiers: ClinVar variation 66277 (VCV000066277.16), dbSNP rs641621, ClinGen allele CA216780.